The following is an entry in ClinVar:

ClinVar aggregate classification (germline): Uncertain significance. Review status: criteria provided, multiple submitters, no conflicts (2 of 4 stars). 2 submissions from 2 submitters: Uncertain significance (2). Last evaluated 2026-02-24.

Conditions:
PLEC-related disorder. Also called: PLEC-related condition; PLEC-related disorders.
Epidermolysis bullosa simplex, Ogna type (EBS5A). Also called: Pidermolysis bullosa simplex 5A, Ogna type; EPIDERMOLYSIS BULLOSA SIMPLEX 5A, OGNA TYPE. Identifiers: Orphanet 79401, MedGen C0432317, MONDO:0007555, OMIM 131950.
Autosomal recessive limb-girdle muscular dystrophy type 2Q (LGMDR17). Also called: MUSCULAR DYSTROPHY, LIMB-GIRDLE, AUTOSOMAL RECESSIVE 17. Identifiers: Orphanet 254361, MedGen C3150989, MONDO:0013390, OMIM 613723.
Epidermolysis bullosa simplex with nail dystrophy (EBS5D). Identifiers: MedGen C4225309, MONDO:0014661, OMIM 616487.
Epidermolysis bullosa simplex 5C, with pyloric atresia (EBS5C). Also called: PLEC-Related Epidermolysis Bullosa with Pyloric Atresia; Epidermolysis bullosa simplex with pyloric atresia; PLEC1-Related Epidermolysis Bullosa with Pyloric Atresia. Identifiers: Orphanet 158684, MedGen C2677349, MONDO:0012807, OMIM 612138.
Epidermolysis bullosa simplex 5B, with muscular dystrophy (EBS5B). Also called: Epidermolysis bullosa simplex with muscular dystrophy; EPIDERMOLYSIS BULLOSA SIMPLEX AND LIMB-GIRDLE MUSCULAR DYSTROPHY. Identifiers: Orphanet 257, MedGen C2931072, MONDO:0009181, OMIM 226670.

Allele frequency attached by ClinVar (database versions not stated): gnomAD 0.00002; gnomAD exomes 0.00002; TOPMed 0.00002; ExAC 0.00004; 1000 Genomes Project 0.00020; 1000 Genomes Project 30x 0.00031.
gnomAD v4.1: 36 of 1,597,936 alleles (0.0023%); highest among the groups gnomAD compares: East Asian, 0.011%; no homozygotes.

Submissions (2):

PreventionGenetics, part of Exact Sciences
Classification: Uncertain significance for PLEC-related condition. Last evaluated: 2026-02-24. Review status: criteria provided, single submitter. Criteria: ACMG Guidelines, 2015. Collection method: clinical testing. Allele origin: germline.
Comment: The PLEC c.11794G>A variant is predicted to result in the amino acid substitution p.Glu3932Lys. This variant has been reported in an individual with epidermolysis bullosa simplex intermediate (Reimer-Taschenbrecker et al. 2021. PubMed ID: 33960018). This variant is reported in 0.012% of alleles in individuals of East Asian descent in gnomAD and is interpreted as uncertain in ClinVar (Variation ID: 2921303). At this time, the clinical significance of this variant is uncertain due to the absence of conclusive functional and genetic evidence.

Labcorp Genetics (formerly Invitae), Labcorp
Classification: Uncertain significance for Autosomal recessive limb-girdle muscular dystrophy type 2Q; Epidermolysis bullosa simplex, Ogna type; Epidermolysis bullosa simplex with nail dystrophy; Epidermolysis bullosa simplex 5C, with pyloric atresia; Epidermolysis bullosa simplex 5B, with muscular dystrophy. Last evaluated: 2023-12-30. Review status: criteria provided, single submitter. Criteria: Invitae Variant Classification Sherloc (09022015). Collection method: clinical testing. Allele origin: germline.
Comment: This sequence change replaces glutamic acid, which is acidic and polar, with lysine, which is basic and polar, at codon 3932 of the PLEC protein (p.Glu3932Lys). This variant is present in population databases (rs545838751, gnomAD 0.01%). This variant has not been reported in the literature in individuals affected with PLEC-related conditions. Advanced modeling of protein sequence and biophysical properties (such as structural, functional, and spatial information, amino acid conservation, physicochemical variation, residue mobility, and thermodynamic stability) performed at Invitae indicates that this missense variant is not expected to disrupt PLEC protein function with a negative predictive value of 80%. In summary, the available evidence is currently insufficient to determine the role of this variant in disease. Therefore, it has been classified as a Variant of Uncertain Significance.

NM_201384.3(PLEC):c.11713G>A (p.Glu3905Lys)

Gene: PLEC (plectin; minus strand). Cytogenetic location: 8q24.3.
Variant type: single nucleotide variant.
Coding change: c.11713G>A on transcript NM_201384.3 (MANE Select); coding-DNA position 11713, G replaced by A.
Protein change: p.Glu3905Lys; replaces glutamic acid 3905 with lysine.
Molecular consequence: missense variant.
Genome position (GRCh38, 1-based): chr8:143,918,108, C>T on the plus strand (G>A on the coding strand, the complement: PLEC is on the minus strand). VCF-style: chr8-143918108-C-T. GRCh37 (hg19) VCF-style: chr8-144992276-C-T.
Other names: c.11794G>A, p.Glu3932Lys (NM_000445.5); c.8413G>A, p.Glu2805Lys (NM_001410941.1); c.11794G>A (NM_000445.4); c.11671G>A, p.Glu3891Lys (NM_201378.4); c.11647G>A, p.Glu3883Lys (NM_201379.3); c.12124G>A, p.Glu4042Lys (NM_201380.4); c.11617G>A, p.Glu3873Lys (NM_201381.3); c.11713G>A, p.Glu3905Lys (NM_201382.4); and 1 more; short protein forms E2805K, E4042K, E3905K, E3891K, E3932K, E3873K, E3883K, E3909K.
Identifiers: ClinVar variation 2921303 (VCV002921303.4), dbSNP rs545838751, ClinGen allele CA4924264.